The following is an entry in ClinVar:

NM_025137.4(SPG11):c.4041G>A (p.Val1347=)

Gene: SPG11 (SPG11 vesicle trafficking associated, spatacsin; minus strand). Cytogenetic location: 15q21.1.
Variant type: single nucleotide variant.
Coding change: c.4041G>A on transcript NM_025137.4 (MANE Select); coding-DNA position 4041, G replaced by A.
Protein change: p.Val1347=; no amino-acid change (valine 1347 retained).
Molecular consequence: synonymous variant.
Genome position (GRCh38, 1-based): chr15:44,596,904, C>T on the plus strand (G>A on the coding strand, the complement: SPG11 is on the minus strand). VCF-style: chr15-44596904-C-T. GRCh37 (hg19) VCF-style: chr15-44889102-C-T.
Other names: c.4041G>A, p.Val1347= (NM_001160227.2); c.4041G>A (NM_025137.3).
Identifiers: ClinVar variation 1596935 (VCV001596935.9), dbSNP rs377066151, ClinGen allele CA7534774.
Genomic context (GRCh38, chr15:44,596,904, plus strand): 5'-TTTGGCACATTCTCTAAGGTAAGATATGCTTAGTTTCATATTGTGTAGCCTGCAGAACTG[C>T]ACCACTAATGCCCATTGGCTGCTAGATTCACTGGATAACCTATAATCAGAATTAGAGGTG-3'
Protein context (NP_079413.3, residues 1337-1357): SESSSQWALV[Val1347=]QFCRLHNMKL

ClinVar aggregate classification (germline): Likely benign. Review status: criteria provided, multiple submitters, no conflicts (2 of 4 stars). 2 submissions from 2 submitters: Likely benign (2). Last evaluated 2025-12-30.

Conditions:
SPG11-related disorder. Also called: SPG11-related condition.
Hereditary spastic paraplegia 11. Also called: SPASTIC PARAPLEGIA, AUTOSOMAL RECESSIVE, COMPLICATED, WITH THIN CORPUS CALLOSUM; SPASTIC PARAPLEGIA, AUTOSOMAL RECESSIVE, WITH MENTAL IMPAIRMENT AND THIN CORPUS CALLOSUM; Nakamura Osame syndrome; Autosomal recessive hereditary spastic paraplegia, mental impairment, and thin corpus callosum; Spastic Paraplegia 11; Spastic paraplegia, mental retardation and thin corpus callosum. Identifiers: Orphanet 2822, MedGen C1858479, MONDO:0011445, OMIM 604360.

Allele frequency attached by ClinVar (database versions not stated): gnomAD 0.00001 and 0.00002; gnomAD exomes 0.00001 and 0.00004; TOPMed 0.00002; ExAC 0.00006.
gnomAD v4.1: 34 of 1,613,820 alleles (0.0021%); highest among the groups gnomAD compares: East Asian, 0.025%; 1 homozygote.

Submissions (2):

Labcorp Genetics (formerly Invitae), Labcorp
Classification: Likely benign for Hereditary spastic paraplegia 11. Last evaluated: 2025-12-30. Review status: criteria provided, single submitter. Criteria: Invitae Variant Classification Sherloc (09022015). Collection method: clinical testing. Allele origin: germline.

PreventionGenetics, part of Exact Sciences
Classification: Likely benign for SPG11-related condition. Last evaluated: 2025-08-18. Review status: criteria provided, single submitter. Criteria: ACMG Guidelines, 2015. Collection method: clinical testing. Allele origin: germline.
Comment: This variant is classified as likely benign based on ACMG/AMP sequence variant interpretation guidelines (Richards et al. 2015 PMID: 25741868, with internal and published modifications).